The following is an entry in ClinVar:

ClinVar aggregate classification (germline): Uncertain significance (1 of 4 stars; one submission).

Conditions:
Brugada syndrome. Also called: Sudden unexpected nocturnal death syndrome; Sudden Unexplained Death Syndrome; Sudden Unexplained Nocturnal Death Syndrome (SUNDS); Sudden unexplained nocturnal death syndrome. Identifiers: Orphanet 130, MedGen C1142166, MONDO:0015263.

gnomAD v4.1: 2 of 1,607,674 alleles (0.00012%); highest among the groups gnomAD compares: Non-Finnish European, 0.00017%; no homozygotes.

Submission:

Labcorp Genetics (formerly Invitae), Labcorp
Classification: Uncertain significance for Brugada syndrome. Last evaluated: 2025-08-24. Review status: criteria provided, single submitter. Criteria: Invitae Variant Classification Sherloc (09022015). Collection method: clinical testing. Allele origin: germline.
Comment: This sequence change replaces threonine, which is neutral and polar, with isoleucine, which is neutral and non-polar, at codon 287 of the SCN10A protein (p.Thr287Ile). This variant is present in population databases (rs779570073, gnomAD 0.0009%). This variant has not been reported in the literature in individuals affected with SCN10A-related conditions. Invitae Evidence Modeling of protein sequence and biophysical properties (such as structural, functional, and spatial information, amino acid conservation, physicochemical variation, residue mobility, and thermodynamic stability) indicates that this missense variant is not expected to disrupt SCN10A protein function with a negative predictive value of 80%. In summary, the available evidence is currently insufficient to determine the role of this variant in disease. Therefore, it has been classified as a Variant of Uncertain Significance.

NM_006514.4(SCN10A):c.860C>T (p.Thr287Ile)

Gene: SCN10A (sodium voltage-gated channel alpha subunit 10; minus strand). Cytogenetic location: 3p22.2.
Variant type: single nucleotide variant.
Coding change: c.860C>T on transcript NM_006514.4 (MANE Select); coding-DNA position 860, C replaced by T.
Protein change: p.Thr287Ile; replaces threonine 287 with isoleucine.
Molecular consequence: missense variant.
Genome position (GRCh38, 1-based): chr3:38,761,215, G>A on the plus strand (C>T on the coding strand, the complement: SCN10A is on the minus strand). VCF-style: chr3-38761215-G-A. GRCh37 (hg19) VCF-style: chr3-38802706-G-A.
Other names: c.860C>T, p.Thr287Ile (NM_001293306.2, NM_001293307.2); short protein forms T287I.
Identifiers: ClinVar variation 4774292 (VCV004774292.1).
Genomic context (GRCh38, chr3:38,761,215, plus strand): 5'-ACCAGACCTTGGTCCCTATGGAAGAGACTCCACTCACGTTTTCTGTGAGATGAGTAGTTG[G>A]TTGTCTCATTGACAGCCATGTCATTCTTGACACATTTATTTTTGAGGTTGCCCTTGAAGA-3'
Protein context (NP_006505.4, residues 277-297): VKNDMAVNET[Thr287Ile]NYSSHRKPDI